The following is an entry in ClinVar:

ClinVar aggregate classification (germline): Uncertain significance (1 of 4 stars; one submission).

gnomAD v4.1: 4 of 1,613,822 alleles (0.00025%); highest among the groups gnomAD compares: East Asian, 0.0045%; no homozygotes.

Submission:

Ambry Genetics
Classification: Uncertain significance. Last evaluated: 2026-05-24. Review status: criteria provided, single submitter. Criteria: Ambry Variant Classification Scheme 2023. Collection method: clinical testing. Allele origin: germline.
Comment: The p.V733L variant (also known as c.2197G>T), located in coding exon 19 of the SLMAP gene, results from a G to T substitution at nucleotide position 2197. The valine at codon 733 is replaced by leucine, an amino acid with highly similar properties. This amino acid position is conserved. In addition, this alteration is predicted to be tolerated by in silico analysis. Based on the available evidence, the clinical significance of this variant remains unclear.

NM_001377540.1(SLMAP):c.2299G>T (p.Val767Leu)

Gene: SLMAP (sarcolemma associated protein; plus strand). Cytogenetic location: 3p14.3.
Variant type: single nucleotide variant.
Coding change: c.2299G>T on transcript NM_001377540.1 (MANE Select); coding-DNA position 2299, G replaced by T.
Protein change: p.Val767Leu; replaces valine 767 with leucine.
Molecular consequence: missense variant. On other transcripts: non-coding transcript variant (1).
Genome position (GRCh38, 1-based): chr3:57,917,066, G>T. VCF-style: chr3-57917066-G-T. GRCh37 (hg19) VCF-style: chr3-57902793-G-T.
Other names: c.2248G>T, p.Val750Leu (NM_001304420.3, NM_001377541.1, NM_001377542.1); c.2134G>T, p.Val712Leu (NM_001304421.2, NM_001377557.1, NM_001377559.1); c.850G>T, p.Val284Leu (NM_001304422.3, NM_001311178.2); c.652G>T, p.Val218Leu (NM_001304423.3); c.727G>T, p.Val243Leu (NM_001311179.2, NM_001377926.1, NM_001377927.1); c.2320G>T, p.Val774Leu (NM_001377538.1); c.2299G>T, p.Val767Leu (NM_001377539.1); c.2236G>T, p.Val746Leu (NM_001377545.1); and 8 more; short protein forms V218L, V243L, V284L, V671L, V688L, V692L, V705L, V709L.
Identifiers: ClinVar variation 4864677 (VCV004864677.1).